The following is an entry in ClinVar:

ClinVar aggregate classification (germline): Conflicting classifications of pathogenicity. Review status: criteria provided, conflicting classifications (1 of 4 stars). 5 submissions from 5 submitters: Uncertain significance (2); Likely benign (2). 1 of the submissions does not count toward it. Last evaluated 2026-07-06.

Conditions:
Hereditary cancer-predisposing syndrome. Also called: Neoplastic Syndromes, Hereditary; Hereditary neoplastic syndrome; Hereditary Cancer Syndrome; Tumor predisposition. Identifiers: Orphanet 140162, MedGen C0027672, MeSH D009386, MONDO:0015356.
Hereditary breast ovarian cancer syndrome. Also called: BRCA1- and BRCA2-Associated Hereditary Breast and Ovarian Cancer; Hereditary breast and ovarian cancer syndrome (HBOC); Hereditary breast and ovarian cancer syndrome; Hereditary breast and/or ovarian cancer syndrome; Breast and ovarian cancer; Hereditary breast and ovarian cancer. Identifiers: Orphanet 145, MedGen C0677776, MeSH D061325, MONDO:0003582. Disease mechanism: loss of function.
Breast-ovarian cancer, familial, susceptibility to, 2 (BROVCA2). Also called: BRCA2 Hereditary Breast and Ovarian Cancer. Identifiers: Orphanet 145, MedGen C2675520, MONDO:0012933, OMIM 612555. Disease mechanism: loss of function.

Submissions (5):

Ambry Genetics
Classification: Likely benign for Hereditary cancer-predisposing syndrome. Last evaluated: 2026-07-06. Review status: criteria provided, single submitter. Criteria: Ambry Variant Classification Scheme 2023. Collection method: clinical testing. Allele origin: germline.

University of Washington Department of Laboratory Medicine, University of Washington
Classification: Likely benign for Hereditary cancer-predisposing syndrome. Last evaluated: 2023-03-23. Review status: criteria provided, single submitter. Criteria: Dines et al. (Genet Med. 2020). Collection method: curation. Allele origin: germline.
Comment: Missense variant in a coldspot region where missense variants are very unlikely to be pathogenic (PMID:31911673).

BRCA2 exon 11 coldspot. Reclassification based on statistical prior probability.

Labcorp Genetics (formerly Invitae), Labcorp
Classification: Uncertain significance for Hereditary breast ovarian cancer syndrome. Last evaluated: 2021-12-25. Review status: criteria provided, single submitter. Criteria: Invitae Variant Classification Sherloc (09022015). Collection method: clinical testing. Allele origin: germline.
Comment: In summary, the available evidence is currently insufficient to determine the role of this variant in disease. Therefore, it has been classified as a Variant of Uncertain Significance. Advanced modeling of protein sequence and biophysical properties (such as structural, functional, and spatial information, amino acid conservation, physicochemical variation, residue mobility, and thermodynamic stability) performed at Invitae indicates that this missense variant is not expected to disrupt BRCA2 protein function. ClinVar contains an entry for this variant (Variation ID: 51774). This variant has not been reported in the literature in individuals affected with BRCA2-related conditions. This variant is not present in population databases (gnomAD no frequency). This sequence change replaces threonine, which is neutral and polar, with alanine, which is neutral and non-polar, at codon 1707 of the BRCA2 protein (p.Thr1707Ala).

GeneDx
Classification: Uncertain significance. Last evaluated: 2021-06-07. Review status: criteria provided, single submitter. Criteria: GeneDx Variant Classification Process June 2021. Collection method: clinical testing. Allele origin: germline. Affected: yes.
Comment: Not observed at significant frequency in large population cohorts (Lek 2016); In silico analysis supports that this missense variant does not alter protein structure/function; Has not been previously published as pathogenic or benign to our knowledge; Also known as 5347A>G; This variant is associated with the following publications: (PMID: 27535533)

Breast Cancer Information Core (BIC) (BRCA2)
Classification: Uncertain significance for Breast-ovarian cancer, familial 2. Last evaluated: 2004-02-20. Review status: no assertion criteria provided. Collection method: clinical testing. Allele origin: germline. Affected: yes. Observed: 1 variant allele. Not counted in ClinVar's aggregate classification.

NM_000059.4(BRCA2):c.5119A>G (p.Thr1707Ala)

Gene: BRCA2 (BRCA2 DNA repair associated; plus strand). Cytogenetic location: 13q13.1.
Variant type: single nucleotide variant.
Coding change: c.5119A>G on transcript NM_000059.4 (MANE Select); coding-DNA position 5119, A replaced by G.
Protein change: p.Thr1707Ala; replaces threonine 1707 with alanine.
Molecular consequence: missense variant.
Genome position (GRCh38, 1-based): chr13:32,339,474, A>G. VCF-style: chr13-32339474-A-G. GRCh37 (hg19) VCF-style: chr13-32913611-A-G.
Other names: short protein forms T1707A.
Identifiers: ClinVar variation 51774 (VCV000051774.13), dbSNP rs80358738, ClinGen allele CA021310.